The following is an entry in ClinVar:

ClinVar aggregate classification (germline): Likely benign (1 of 4 stars; one submission).

Conditions:
Generalized epilepsy-paroxysmal dyskinesia syndrome (PNKD3). Also called: Generalized epilepsy and paroxysmal dyskinesia; Paroxysmal nonkinesigenic dyskinesia, 3, with or without generalized epilepsy. Identifiers: Orphanet 79137, MedGen C5574945, MONDO:0012276, OMIM 609446.

Allele frequency attached by ClinVar (database versions not stated): gnomAD exomes 0.00017; gnomAD 0.00018 and 0.00023; TOPMed 0.00024; 1000 Genomes Project 30x 0.00047; 1000 Genomes Project 0.00060.
gnomAD v4.1: 174 of 985,396 alleles (0.018%); highest among the groups gnomAD compares: East Asian, 0.33%; 1 homozygote.

Submission:

Illumina Laboratory Services, Illumina
Classification: Likely benign for Generalized epilepsy-paroxysmal dyskinesia syndrome. Last evaluated: 2018-01-13. Review status: criteria provided, single submitter. Criteria: ICSL Variant Classification Criteria 13 December 2019. Collection method: clinical testing. Allele origin: germline.
Comment: This variant was observed in the ICSL laboratory as part of a predisposition screen in an ostensibly healthy population. It had not been previously curated by ICSL or reported in the Human Gene Mutation Database (HGMD: prior to June 1st, 2018), and was therefore a candidate for classification through an automated scoring system. Utilizing variant allele frequency, disease prevalence and penetrance estimates, and inheritance mode, an automated score was calculated to assess if this variant is too frequent to cause the disease. Based on the score and internal cut-off values, a variant classified as likely benign is not then subjected to further curation. The score for this variant resulted in a classification of likely benign for this disease.

NM_001161352.2(KCNMA1):c.*1315C>T

Gene: KCNMA1 (potassium calcium-activated channel subfamily M alpha 1; minus strand). Cytogenetic location: 10q22.3.
Variant type: single nucleotide variant.
Coding change: c.*1315C>T on transcript NM_001161352.2 (MANE Select); 1315 bases downstream of the stop codon, C replaced by T.
Molecular consequence: 3 prime UTR variant. On other transcripts: intron variant (7).
Genome position (GRCh38, 1-based): chr10:76,885,951, G>A on the plus strand (C>T on the coding strand, the complement: KCNMA1 is on the minus strand). VCF-style: chr10-76885951-G-A. GRCh37 (hg19) VCF-style: chr10-78645709-G-A.
Other names: c.*1315C>T (NM_001161353.2, NM_001271519.2, NM_001322836.2 and 2 more transcripts); c.3362+1340C>T (NM_001271518.2); c.3512+1340C>T (NM_001322832.2); c.3521+1340C>T (NM_001322829.2); c.3524+1340C>T (NM_001014797.3); c.3605+1340C>T (NM_001322835.2); c.3614+1340C>T (NM_001322830.2); c.3059+1340C>T (NM_001322838.2).
Identifiers: ClinVar variation 877876 (VCV000877876.4), dbSNP rs147816527, ClinGen allele CA210076279.